The following is an entry in ClinVar:

ClinVar aggregate classification (germline): Uncertain significance. Review status: criteria provided, multiple submitters, no conflicts (2 of 4 stars). 5 submissions from 5 submitters: Uncertain significance (4). 1 of the submissions does not count toward it. Last evaluated 2024-10-03.

Conditions:
TSEN2-related disorder. Also called: TSEN2-related condition.
Pontocerebellar hypoplasia type 2B (PCH2B). Identifiers: Orphanet 2524, MedGen C2676466, MONDO:0012890, OMIM 612389.
Pontoneocerebellar hypoplasia. Also called: Non-syndromic pontocerebellar hypoplasia; Pontocerebellar hypoplasia. Identifiers: Orphanet 98523, MedGen C1261175, MONDO:0020135.
Inborn genetic diseases. Identifiers: MedGen C0950123, MeSH D030342.

Allele frequency attached by ClinVar (database versions not stated): ExAC 0.00002; gnomAD 0.00002; gnomAD exomes 0.00002 and 0.00004; TOPMed 0.00002.
gnomAD v4.1: 35 of 1,608,044 alleles (0.0022%); highest among the groups gnomAD compares: Non-Finnish European, 0.003%; no homozygotes.

Submissions (5):

Ambry Genetics
Classification: Uncertain significance for Inborn genetic diseases. Last evaluated: 2024-10-03. Review status: criteria provided, single submitter. Criteria: Ambry Variant Classification Scheme 2023. Collection method: clinical testing. Allele origin: germline.

Breda Genetics srl
Classification: Uncertain significance for Pontocerebellar hypoplasia type 2B. Last evaluated: 2021-11-09. Review status: criteria provided, single submitter. Criteria: ACMG Guidelines, 2015. Collection method: clinical testing. Allele origin: germline. Inheritance: Autosomal recessive inheritance. Affected: yes. Observed: 1 variant allele, 1 heterozygote.
Comment: Based on allele frequency, in-silico prediction scores and a certain overlap with the clinical phenotype, we interpreted this variant at least as of uncertain significance. The lack of one or more of the following features has discouraged further investigations: lack of a possible second hit in autosomal recessive conditions, presence of healthy controls in databases for autosomal dominant conditions, presence of unmatching cardinal clinical features in the patient or in the known gene-disease association, and/or variant type outside the known gene mutational spectrum.

Illumina Laboratory Services, Illumina
Classification: Uncertain significance for Pontoneocerebellar hypoplasia. Last evaluated: 2018-01-12. Review status: criteria provided, single submitter. Criteria: ICSL Variant Classification Criteria 13 December 2019. Collection method: clinical testing. Allele origin: germline.

CeGaT Center for Human Genetics Tuebingen
Classification: Uncertain significance. Last evaluated: 2016-06-01. Review status: criteria provided, single submitter. Criteria: CeGaT Center For Human Genetics Tuebingen Variant Classification Criteria Version 2. Collection method: clinical testing. Allele origin: germline. Affected: yes. Observed: 1 variant allele.

PreventionGenetics, part of Exact Sciences
Classification: Uncertain significance for TSEN2-related condition. Last evaluated: 2024-07-28. Review status: no assertion criteria provided. Collection method: clinical testing. Allele origin: germline. Not counted in ClinVar's aggregate classification.
Comment: The TSEN2 c.845A>G variant is predicted to result in the amino acid substitution p.Asn282Ser. To our knowledge, this variant has not been reported in the literature. This variant is reported in 0.0088% of alleles in individuals of European (Non-Finnish) descent in gnomAD. At this time, the clinical significance of this variant is uncertain due to the absence of conclusive functional and genetic evidence.

NM_025265.4(TSEN2):c.845A>G (p.Asn282Ser)

Gene: TSEN2 (tRNA splicing endonuclease subunit 2; plus strand). Cytogenetic location: 3p25.2.
Variant type: single nucleotide variant.
Coding change: c.845A>G on transcript NM_025265.4 (MANE Select); coding-DNA position 845, A replaced by G.
Protein change: p.Asn282Ser; replaces asparagine 282 with serine.
Molecular consequence: missense variant. On other transcripts: non-coding transcript variant (1), intron variant (2).
Genome position (GRCh38, 1-based): chr3:12,505,167, A>G. VCF-style: chr3-12505167-A-G. GRCh37 (hg19) VCF-style: chr3-12546666-A-G.
Other names: c.845A>G, p.Asn282Ser (NM_001145392.2, NM_001321277.2, NM_001321278.2); c.668A>G, p.Asn223Ser (NM_001145394.2); c.831+1383A>G (NM_001321279.2, NM_001145393.3); short protein forms N282S, N223S.
Identifiers: ClinVar variation 343077 (VCV000343077.49), dbSNP rs202056552, ClinGen allele CA2258631.